The following is an entry in ClinVar:

NM_000352.6(ABCC8):c.796C>T (p.Leu266Phe)

Gene: ABCC8 (ATP binding cassette subfamily C member 8; minus strand). Cytogenetic location: 11p15.1.
Variant type: single nucleotide variant.
Coding change: c.796C>T on transcript NM_000352.6 (MANE Select); coding-DNA position 796, C replaced by T.
Protein change: p.Leu266Phe; replaces leucine 266 with phenylalanine.
Molecular consequence: missense variant. On other transcripts: non-coding transcript variant (1).
Genome position (GRCh38, 1-based): chr11:17,461,609, G>A on the plus strand (C>T on the coding strand, the complement: ABCC8 is on the minus strand). VCF-style: chr11-17461609-G-A. GRCh37 (hg19) VCF-style: chr11-17483156-G-A.
Other names: c.796C>T, p.Leu266Phe (NM_001287174.3, NM_001351295.2, NM_001351296.2 and 1 more transcripts); short protein forms L266F.
Identifiers: ClinVar variation 4859806 (VCV004859806.1).

ClinVar aggregate classification (germline): Uncertain significance (1 of 4 stars; one submission).

Conditions:
Inborn genetic diseases. Identifiers: MedGen C0950123, MeSH D030342.

gnomAD v4.1: 15 of 1,614,138 alleles (0.00093%); highest among the groups gnomAD compares: African/African-American, 0.0067%; no homozygotes.

Submission:

Ambry Genetics
Classification: Uncertain significance for Inborn genetic diseases. Last evaluated: 2026-05-23. Review status: criteria provided, single submitter. Criteria: Ambry Variant Classification Scheme 2023. Collection method: clinical testing. Allele origin: germline.
Comment: The c.796C>T (p.L266F) alteration is located in exon 5 (coding exon 5) of the ABCC8 gene. This alteration results from a C to T substitution at nucleotide position 796, causing the leucine (L) at amino acid position 266 to be replaced by a phenylalanine (F). Based on data from gnomAD, the T allele has an overall frequency of 0.006% (2/31402) total alleles studied. The highest observed frequency was 0.012% (1/8716) of African alleles. Based on insufficient or conflicting evidence, the clinical significance of this alteration remains unclear.